The following is an entry in ClinVar:

NM_018942.3(HMX1):c.461G>T (p.Gly154Val)

Gene: HMX1 (H6 family homeobox 1; minus strand). Cytogenetic location: 4p16.1.
Variant type: single nucleotide variant.
Coding change: c.461G>T on transcript NM_018942.3 (MANE Select); coding-DNA position 461, G replaced by T.
Protein change: p.Gly154Val; replaces glycine 154 with valine.
Molecular consequence: missense variant. On other transcripts: intron variant (1).
Genome position (GRCh38, 1-based): chr4:8,868,279, C>A on the plus strand (G>T on the coding strand, the complement: HMX1 is on the minus strand). VCF-style: chr4-8868279-C-A. GRCh37 (hg19) VCF-style: chr4-8870005-C-A.
Other names: c.394+2942G>T (NM_001306142.2); c.461G>T (NM_018942.2); short protein forms G154V.
Identifiers: ClinVar variation 1407089 (VCV001407089.9), dbSNP rs1722094121, ClinGen allele CA356278561.

ClinVar aggregate classification (germline): Uncertain significance. Review status: criteria provided, multiple submitters, no conflicts (2 of 4 stars). 2 submissions from 2 submitters: Uncertain significance (2). Last evaluated 2025-12-03.

Conditions:
Inborn genetic diseases. Identifiers: MedGen C0950123, MeSH D030342.

Submissions (2):

Ambry Genetics
Classification: Uncertain significance for Inborn genetic diseases. Last evaluated: 2025-12-03. Review status: criteria provided, single submitter. Criteria: Ambry Variant Classification Scheme 2023. Collection method: clinical testing. Allele origin: germline.

Labcorp Genetics (formerly Invitae), Labcorp
Classification: Uncertain significance. Last evaluated: 2021-02-13. Review status: criteria provided, single submitter. Criteria: Invitae Variant Classification Sherloc (09022015). Collection method: clinical testing. Allele origin: germline.
Comment: In summary, the available evidence is currently insufficient to determine the role of this variant in disease. Therefore, it has been classified as a Variant of Uncertain Significance. Algorithms developed to predict the effect of missense changes on protein structure and function (SIFT, PolyPhen-2, Align-GVGD) all suggest that this variant is likely to be tolerated, but these predictions have not been confirmed by published functional studies and their clinical significance is uncertain. This variant has not been reported in the literature in individuals with HMX1-related conditions. The frequency data for this variant in the population databases is considered unreliable, as metrics indicate insufficient coverage at this position in the ExAC database. This sequence change replaces glycine with valine at codon 154 of the HMX1 protein (p.Gly154Val). The glycine residue is weakly conserved and there is a moderate physicochemical difference between glycine and valine.